The following is an entry in ClinVar:

ClinVar aggregate classification (germline): Likely benign (1 of 4 stars; one submission).

Allele frequency attached by ClinVar (database versions not stated): ExAC 0.00004; TOPMed 0.00023; gnomAD 0.00036.
gnomAD v4.1: 687 of 1,546,890 alleles (0.044%); highest among the groups gnomAD compares: Admixed American, 0.068%; no homozygotes.

Submission:

CeGaT Center for Human Genetics Tuebingen
Classification: Likely benign. Last evaluated: 2024-02-01. Review status: criteria provided, single submitter. Criteria: CeGaT Center For Human Genetics Tuebingen Variant Classification Criteria Version 2. Collection method: clinical testing. Allele origin: germline. Affected: yes. Observed: 1 variant allele.
Comment: IQSEC3: BP4, BP7

NM_001170738.2(IQSEC3):c.1317C>A (p.Ala439=)

Genes: IQSEC3-AS3 (IQSEC3 antisense RNA 3; minus strand), IQSEC3 (IQ motif and Sec7 domain ArfGEF 3; plus strand). Cytogenetic location: 12p13.33.
Variant type: single nucleotide variant.
Coding change: c.1317C>A on transcript NM_001170738.2 (MANE Select); coding-DNA position 1317, C replaced by A.
Protein change: p.Ala439=; no amino-acid change (alanine 439 retained).
Molecular consequence: synonymous variant.
Genome position (GRCh38, 1-based): chr12:138,680, C>A. VCF-style: chr12-138680-C-A. GRCh37 (hg19) VCF-style: chr12-247846-C-A.
Other names: c.408C>A, p.Ala136= (NM_015232.2).
Identifiers: ClinVar variation 3025702 (VCV003025702.22), dbSNP rs763779562, ClinGen allele CA6376264.
Genomic context (GRCh38, chr12:138,680, plus strand): 5'-GTGGAGCCTCAAGACCATGTGCTCCCTGCGGGAGAGTGGCGCTTACCAGCTCCACCAGGC[C>A]CTGCAGGCGGCCGCGGGGCCCCCAGGCCTGGAGGCCGAGGGGCGGGCGCCGGAGAGCGCG-3'
Protein context (NP_001164209.1, residues 429-449): RESGAYQLHQ[Ala439=]LQAAAGPPGL